The following is an entry in ClinVar:

NM_004208.4(AIFM1):c.1105G>T (p.Val369Leu)

Genes: AIFM1 (apoptosis inducing factor mitochondria associated 1; minus strand), RAB33A (RAB33A, member RAS oncogene family; plus strand). Cytogenetic location: Xq26.1.
Variant type: single nucleotide variant.
Coding change: c.1105G>T on transcript NM_004208.4 (MANE Select); coding-DNA position 1105, G replaced by T.
Protein change: p.Val369Leu; replaces valine 369 with leucine.
Molecular consequence: missense variant. On other transcripts: 3 prime UTR variant (1), non-coding transcript variant (1).
Genome position (GRCh38, 1-based): chrX:130,136,702, C>A on the plus strand (G>T on the coding strand, the complement: AIFM1 is on the minus strand). VCF-style: chrX-130136702-C-A. GRCh37 (hg19) VCF-style: chrX-129270677-C-A.
Other names: c.88G>T, p.Val30Leu (NM_001130846.4); c.*333G>T (NM_001130847.4); c.1093G>T, p.Val365Leu (NM_145812.3); short protein forms V30L, V365L, V369L.
Identifiers: ClinVar variation 863172 (VCV000863172.9), dbSNP rs1444952549, ClinGen allele CA414578325.

ClinVar aggregate classification (germline): Uncertain significance (1 of 4 stars; one submission).

Conditions:
Charcot-Marie-Tooth Neuropathy X. Identifiers: MedGen CN118851.
Combined oxidative phosphorylation deficiency. Identifiers: MedGen C4540031, MONDO:0000732.

Allele frequency attached by ClinVar (database versions not stated): TOPMed below 0.00001; gnomAD exomes 0.00001.

Submission:

Labcorp Genetics (formerly Invitae), Labcorp
Classification: Uncertain significance for Charcot-Marie-Tooth Neuropathy X; Combined oxidative phosphorylation deficiency. Last evaluated: 2019-03-29. Review status: criteria provided, single submitter. Criteria: Invitae Variant Classification Sherloc (09022015). Collection method: clinical testing. Allele origin: germline.
Comment: In summary, the available evidence is currently insufficient to determine the role of this variant in disease. Therefore, it has been classified as a Variant of Uncertain Significance. Algorithms developed to predict the effect of missense changes on protein structure and function are either unavailable or do not agree on the potential impact of this missense change (SIFT: "Deleterious"; PolyPhen-2: "Possibly Damaging"; Align-GVGD: "Class C0"). This variant has not been reported in the literature in individuals with AIFM1-related conditions. This variant is not present in population databases (ExAC no frequency). This sequence change replaces valine with leucine at codon 369 of the AIFM1 protein (p.Val369Leu). The valine residue is highly conserved and there is a small physicochemical difference between valine and leucine.